The following is an entry in ClinVar:

NM_024330.4(SLC27A3):c.130A>G (p.Arg44Gly)

Gene: SLC27A3 (solute carrier family 27 member 3; plus strand). Cytogenetic location: 1q21.3.
Variant type: single nucleotide variant.
Coding change: c.130A>G on transcript NM_024330.4 (MANE Select); coding-DNA position 130, A replaced by G.
Protein change: p.Arg44Gly; replaces arginine 44 with glycine.
Molecular consequence: missense variant. On other transcripts: non-coding transcript variant (1).
Genome position (GRCh38, 1-based): chr1:153,775,627, A>G. VCF-style: chr1-153775627-A-G. GRCh37 (hg19) VCF-style: chr1-153748103-A-G.
Other names: c.130A>G, p.Arg44Gly (NM_001317929.4); short protein forms R44G.
Identifiers: ClinVar variation 2639352 (VCV002639352.24), dbSNP rs138225868, ClinGen allele CA1119784.
Genomic context (GRCh38, chr1:153,775,627, plus strand): 5'-CCGCAGTTGCGCTGGCTTCCGGCGGACTTGGCCTTTGCGGTGCGAGCTCTGTGCTGCAAA[A>G]GGGCTCTTCGAGCTCGCGCCCTGGCCGCGGCTGCCGCCGACCCGGAAGGTCCCGAGGGGG-3'
Protein context (NP_077306.3, residues 34-54): AFAVRALCCK[Arg44Gly]ALRARALAAA

ClinVar aggregate classification (germline): Likely benign (1 of 4 stars; one submission).

Allele frequency attached by ClinVar (database versions not stated): 1000 Genomes Project 0.00020; TOPMed 0.00020; gnomAD 0.00029; 1000 Genomes Project 30x 0.00031; ExAC 0.00039.
gnomAD v4.1: 200 of 1,562,568 alleles (0.013%); highest among the groups gnomAD compares: East Asian, 0.23%; 7 homozygotes.

Submission:

CeGaT Center for Human Genetics Tuebingen
Classification: Likely benign. Last evaluated: 2022-12-01. Review status: criteria provided, single submitter. Criteria: CeGaT Center For Human Genetics Tuebingen Variant Classification Criteria Version 2. Collection method: clinical testing. Allele origin: germline. Affected: yes. Observed: 1 variant allele.
Comment: SLC27A3: BS2